The following is an entry in ClinVar:

NM_005431.2(XRCC2):c.671G>C (p.Arg224Thr)

Gene: XRCC2 (X-ray repair cross complementing 2; minus strand). Cytogenetic location: 7q36.1.
Variant type: single nucleotide variant.
Coding change: c.671G>C on transcript NM_005431.2 (MANE Select); coding-DNA position 671, G replaced by C.
Protein change: p.Arg224Thr; replaces arginine 224 with threonine.
Molecular consequence: missense variant.
Genome position (GRCh38, 1-based): chr7:152,648,814, C>G on the plus strand (G>C on the coding strand, the complement: XRCC2 is on the minus strand). VCF-style: chr7-152648814-C-G. GRCh37 (hg19) VCF-style: chr7-152345899-C-G.
Other names: short protein forms R224T.
Identifiers: ClinVar variation 1755087 (VCV001755087.2), dbSNP rs1333376611, ClinGen allele CA370198203.

ClinVar aggregate classification (germline): Uncertain significance (1 of 4 stars; one submission).

Conditions:
Hereditary cancer-predisposing syndrome. Also called: Neoplastic Syndromes, Hereditary; Tumor predisposition; Hereditary Cancer Syndrome; Hereditary neoplastic syndrome. Identifiers: Orphanet 140162, MedGen C0027672, MeSH D009386, MONDO:0015356.

Submission:

Ambry Genetics
Classification: Uncertain significance for Hereditary cancer-predisposing syndrome. Last evaluated: 2022-06-21. Review status: criteria provided, single submitter. Criteria: Ambry Variant Classification Scheme 2023. Collection method: clinical testing. Allele origin: germline.
Comment: The p.R224T variant (also known as c.671G>C), located in coding exon 3 of the XRCC2 gene, results from a G to C substitution at nucleotide position 671. The arginine at codon 224 is replaced by threonine, an amino acid with similar properties. This amino acid position is conserved. In addition, this alteration is predicted to be deleterious by in silico analysis. Since supporting evidence is limited at this time, the clinical significance of this alteration remains unclear.